The following is an entry in ClinVar:

ClinVar aggregate classification (germline): Likely pathogenic (1 of 4 stars; one submission).

Conditions:
Cockayne syndrome type 2 (CSB). Also called: COCKAYNE SYNDROME B; Cockayne Syndrome, Type II. Identifiers: Orphanet 191, Orphanet 90322, MedGen C0751038, MONDO:0019570, OMIM 133540.

Submission:

Myriad Genetics, Inc.
Classification: Likely pathogenic for Cockayne syndrome type 2. Last evaluated: 2022-03-03. Review status: criteria provided, single submitter. Criteria: Myriad Women's Health Autosomal Recessive and X-Linked Classification Criteria (2021). Collection method: clinical testing. Allele origin: unknown.
Comment: NM_000124.2(ERCC6):c.1342A>T(K448*) is expected to be pathogenic in the context of ERCC6-related disorders. This variant is predicted to lead to an abnormal or absent protein product due to the creation of a premature termination codon in ERCC6, a gene where loss-of-function variants are known to be pathogenic. Please note: this variant was assessed in the context of healthy population screening.

NM_000124.4(ERCC6):c.1342A>T (p.Lys448Ter)

Genes: ERCC6 (ERCC excision repair 6, chromatin remodeling factor; minus strand), PGBD3 (piggyBac transposable element derived 3; minus strand). Cytogenetic location: 10q11.23.
Variant type: single nucleotide variant.
Coding change: c.1342A>T on transcript NM_000124.4 (MANE Select); coding-DNA position 1342, A replaced by T.
Protein change: p.Lys448Ter; replaces lysine 448 with a stop codon.
Molecular consequence: nonsense. On other transcripts: 5 prime UTR variant (1).
Genome position (GRCh38, 1-based): chr10:49,524,088, T>A on the plus strand (A>T on the coding strand, the complement: ERCC6 is on the minus strand). VCF-style: chr10-49524088-T-A. GRCh37 (hg19) VCF-style: chr10-50732134-T-A.
Other names: c.1342A>T, p.Lys448Ter (NM_001277058.2, NM_001277059.2, NM_001346440.2); c.-63A>T (NM_170753.3); short protein forms K448*.
Identifiers: ClinVar variation 1724969 (VCV001724969.2), dbSNP rs2496137655, ClinGen allele CA376752009.